The following is an entry in ClinVar:

NM_012330.4(KAT6B):c.4109AAG[3] (p.Glu1373del)

Gene: KAT6B (lysine acetyltransferase 6B; plus strand). Cytogenetic location: 10q22.2.
Variant type: Microsatellite.
Coding change: c.4109AAG[3] on transcript NM_012330.4 (MANE Select); three copies in a row of the 3-base unit AAG starting at c.4109; the reference has four copies in a row; one copy, 3 bases deleted.
Protein change: p.Glu1373del; deletes glutamic acid 1373.
Molecular consequence: inframe deletion.
Genome position (GRCh38, 1-based): chr10:75,028,942-75,028,944, AAG deleted; deleting any 3 consecutive bases within chr10:75,028,932-75,028,944 gives the same sequence; the position shown is the placement nearest the transcript's 3' end. VCF-style (leftmost placement, unchanged base first): chr10-75028931-GGAA-G. GRCh37 (hg19) VCF-style: chr10-76788689-GGAA-G.
Other names: c.3560AAG[3], p.Glu1190del (NM_001256468.2, NM_001370138.1); c.3233AAG[3], p.Glu1081del (NM_001256469.2, NM_001370139.1, NM_001370140.1 and 2 more transcripts); c.3071AAG[3], p.Glu1027del (NM_001370132.1); c.2420AAG[3], p.Glu810del (NM_001370133.1); c.2024AAG[3], p.Glu678del (NM_001370134.1); c.1766AAG[3], p.Glu592del (NM_001370135.1); c.4109AAG[3], p.Glu1373del (NM_001370136.1, NM_001370137.1); c.3044AAG[3], p.Glu1018del (NM_001370143.1, NM_001370144.1); and 1 more; short protein forms E1018del, E1027del, E1081del, E1190del, E1373del, E592del, E678del, E810del.
Identifiers: ClinVar variation 1180038 (VCV001180038.33), dbSNP rs751483850, ClinGen allele CA5564972.

ClinVar aggregate classification (germline): Benign/Likely benign. Review status: criteria provided, multiple submitters, no conflicts (2 of 4 stars). 5 submissions from 5 submitters: Benign (2); Likely benign (3). Last evaluated 2025-08-04.

Conditions:
Inborn genetic diseases. Identifiers: MedGen C0950123, MeSH D030342.
Genitopatellar syndrome (GTPTS). Also called: Genitopatellar syndrome (GPS); ABSENT PATELLAE, SCROTAL HYPOPLASIA, RENAL ANOMALIES, FACIAL DYSMORPHISM, AND MENTAL RETARDATION. Identifiers: Orphanet 85201, MedGen C1853566, MONDO:0011640, OMIM 606170.

Submissions (5):

Labcorp Genetics (formerly Invitae), Labcorp
Classification: Likely benign for Genitopatellar syndrome. Last evaluated: 2025-08-04. Review status: criteria provided, single submitter. Criteria: Invitae Variant Classification Sherloc (09022015). Collection method: clinical testing. Allele origin: germline.

Blueprint Genetics
Classification: Likely benign. Last evaluated: 2023-09-25. Review status: criteria provided, single submitter. Criteria: ACMG Guidelines, 2015. Collection method: clinical testing. Allele origin: germline.

CeGaT Center for Human Genetics Tuebingen
Classification: Benign. Last evaluated: 2023-03-01. Review status: criteria provided, single submitter. Criteria: CeGaT Center For Human Genetics Tuebingen Variant Classification Criteria Version 2. Collection method: clinical testing. Allele origin: germline. Affected: yes. Observed: 1 variant allele.
Comment: KAT6B: PM4:Supporting, BP4, BS1, BS2

Ambry Genetics
Classification: Likely benign for Inborn genetic diseases. Last evaluated: 2021-12-03. Review status: criteria provided, single submitter. Criteria: Ambry Variant Classification Scheme 2023. Collection method: clinical testing. Allele origin: germline.

GeneDx
Classification: Benign. Last evaluated: 2020-06-23. Review status: criteria provided, single submitter. Criteria: GeneDx Variant Classification Process June 2021. Collection method: clinical testing. Allele origin: germline. Affected: yes.